The following is an entry in ClinVar:

ClinVar aggregate classification (germline): Pathogenic (1 of 4 stars; one submission).

Conditions:
Ethylmalonic encephalopathy (EE). Also called: Syndrome of encephalopathy, petechiae, and ethylmalonic aciduria; EPEMA syndrome; Encephalopathy, petechiae, and ethylmalonic aciduria. Identifiers: Orphanet 51188, MedGen C1865349, MONDO:0011229, OMIM 602473. Disease mechanism: loss of function.

Submission:

Labcorp Genetics (formerly Invitae), Labcorp
Classification: Pathogenic for Ethylmalonic encephalopathy. Last evaluated: 2021-05-19. Review status: criteria provided, single submitter. Criteria: Invitae Variant Classification Sherloc (09022015). Collection method: clinical testing. Allele origin: germline.
Comment: For these reasons, this variant has been classified as Pathogenic. This variant has not been reported in the literature in individuals with ETHE1-related conditions. This variant is a gross deletion of the genomic region encompassing exon(s) 1-4 of the ETHE1 gene, which includes the initiator codon. The 5' end of this event is unknown as it extends beyond the assayed region for this gene and therefore may encompass additional genes. The 3' boundary is likely confined to intron 4 of the ETHE1 gene. It is expected to result in an absent or disrupted protein product. Loss-of-function variants in ETHE1 are known to be pathogenic (PMID: 14732903, 19136963).

Literature cited by the submitters: PubMed 14732903; PubMed 19136963.

NC_000019.9:g.(?_44015579)_(44031339_?)del

Gene: ETHE1 (ETHE1 persulfide dioxygenase; minus strand). Cytogenetic location: 19q13.31.
Variant type: Deletion.
Identifiers: ClinVar variation 1456400 (VCV001456400.4).